The following is an entry in ClinVar:

ClinVar aggregate classification (germline): Conflicting classifications of pathogenicity. Review status: criteria provided, conflicting classifications (1 of 4 stars). 6 submissions from 6 submitters: Uncertain significance (5); Likely benign (1). Last evaluated 2026-01-13.

Conditions:
Cardiovascular phenotype. Identifiers: MedGen CN230736.
Cardiomyopathy (CMYO). Also called: Cardiomyopathies. Identifiers: Orphanet 167848, MedGen C0878544, MONDO:0004994, HP:0001638. Inheritance: Various modes of inheritance.
Catecholaminergic polymorphic ventricular tachycardia 1. Also called: VENTRICULAR TACHYCARDIA, STRESS-INDUCED POLYMORPHIC 1; VENTRICULAR TACHYCARDIA, CATECHOLAMINERGIC POLYMORPHIC, 1, WITH OR WITHOUT ATRIAL DYSFUNCTION AND/OR DILATED CARDIOMYOPATHY; RYR2-Related Catecholaminergic Polymorphic Ventricular Tachycardia. Identifiers: Orphanet 3286, MedGen C1631597, MONDO:0011484, OMIM 604772.
Catecholaminergic polymorphic ventricular tachycardia (CVPT). Also called: Catecholamine-induced polymorphic ventricular tachycardia. Identifiers: Orphanet 3286, MedGen C5574922, MONDO:0017990.

Allele frequency attached by ClinVar (database versions not stated): TOPMed 0.00001; gnomAD exomes 0.00002; ExAC 0.00005.
gnomAD v4.1: 31 of 1,588,138 alleles (0.002%); highest among the groups gnomAD compares: South Asian, 0.018%; no homozygotes.

Submissions (6):

Labcorp Genetics (formerly Invitae), Labcorp
Classification: Uncertain significance for Catecholaminergic polymorphic ventricular tachycardia 1. Last evaluated: 2026-01-13. Review status: criteria provided, single submitter. Criteria: Invitae Variant Classification Sherloc (09022015). Collection method: clinical testing. Allele origin: germline.
Comment: This sequence change replaces valine, which is neutral and non-polar, with isoleucine, which is neutral and non-polar, at codon 3420 of the RYR2 protein (p.Val3420Ile). This variant is present in population databases (rs397516497, gnomAD 0.02%). This variant has not been reported in the literature in individuals affected with RYR2-related conditions. ClinVar contains an entry for this variant (Variation ID: 43697). Invitae Evidence Modeling of protein sequence and biophysical properties (such as structural, functional, and spatial information, amino acid conservation, physicochemical variation, residue mobility, and thermodynamic stability) indicates that this missense variant is expected to disrupt RYR2 protein function with a positive predictive value of 95%. In summary, the available evidence is currently insufficient to determine the role of this variant in disease. Therefore, it has been classified as a Variant of Uncertain Significance.

Color Diagnostics, LLC DBA Color Health
Classification: Likely benign for Cardiomyopathy. Last evaluated: 2025-07-10. Review status: criteria provided, single submitter. Criteria: ACMG Guidelines, 2015. Collection method: clinical testing. Allele origin: germline.

All of Us Research Program, National Institutes of Health
Classification: Uncertain significance for Catecholaminergic polymorphic ventricular tachycardia. Last evaluated: 2024-02-05. Review status: criteria provided, single submitter. Criteria: ACMG Guidelines, 2015. Collection method: clinical testing. Allele origin: germline. Inheritance: Autosomal dominant inheritance. Observed: 5 variant alleles, 5 heterozygotes.
Comment: This missense variant replaces valine with isoleucine at codon 3420 of the RYR2 protein. Computational prediction suggests that this variant may not impact protein structure and function (internally defined REVEL score threshold <= 0.5, PMID: 27666373). To our knowledge, functional studies have not been reported for this variant. This variant has not been reported in individuals affected with cardiovascular disorders in the literature. This variant has been identified in 6/240264 chromosomes in the general population by the Genome Aggregation Database (gnomAD). The available evidence is insufficient to determine the role of this variant in disease conclusively. Therefore, this variant is classified as a Variant of Uncertain Significance.

This study involves interpretation of variants in research participants for the purpose of population health screening. Participant phenotype was not available at the time of variant classification. Additional details can be found in publication PMID: 35346344, PMCID: PMC8962531

GeneDx
Classification: Uncertain significance. Last evaluated: 2023-11-15. Review status: criteria provided, single submitter. Criteria: GeneDx Variant Classification Process June 2021. Collection method: clinical testing. Allele origin: germline. Affected: yes.
Comment: Has not been previously published as pathogenic or benign to our knowledge; In silico analysis supports that this missense variant does not alter protein structure/function; Not located in one of the three hot-spot regions of the RYR2 gene, where the majority of pathogenic missense variants occur (PMID: 19926015); This variant is associated with the following publications: (PMID: 19926015)

Ambry Genetics
Classification: Uncertain significance for Cardiovascular phenotype. Last evaluated: 2021-11-18. Review status: criteria provided, single submitter. Criteria: Ambry Variant Classification Scheme 2023. Collection method: clinical testing. Allele origin: germline.

Laboratory for Molecular Medicine, Mass General Brigham Personalized Medicine
Classification: Uncertain significance. Last evaluated: 2018-11-13. Review status: criteria provided, single submitter. Criteria: LMM Criteria. Collection method: clinical testing. Allele origin: germline. Observed: 5 variant alleles.
Comment: It has also been identified in 0.02% (5/29082) of South Asian chromosomes by gnomAD. Computati onal prediction tools and conservation analysis suggest that this variant may im pact the protein, though this information is not predictive enough to determine pathogenicity. In summary, the clinical significance of the p.Val3420Ile variant is uncertain. ACMG/AMP Criteria applied: PP3.

Literature cited by the submitters: PubMed 28404607 (cited by Laboratory for Molecular Medicine, Mass General Brigham Personalized Medicine).

NM_001035.3(RYR2):c.10258G>A (p.Val3420Ile)

Gene: RYR2 (ryanodine receptor 2; plus strand). Cytogenetic location: 1q43.
Variant type: single nucleotide variant.
Coding change: c.10258G>A on transcript NM_001035.3 (MANE Select); coding-DNA position 10258, G replaced by A.
Protein change: p.Val3420Ile; replaces valine 3420 with isoleucine.
Molecular consequence: missense variant.
Genome position (GRCh38, 1-based): chr1:237,711,772, G>A. VCF-style: chr1-237711772-G-A. GRCh37 (hg19) VCF-style: chr1-237875072-G-A.
Other names: p.V3420I:GTT>ATT; short protein forms V3420I.
Identifiers: ClinVar variation 43697 (VCV000043697.23), dbSNP rs397516497, ClinGen allele CA006587.
Genomic context (GRCh38, chr1:237,711,772, plus strand): 5'-GTTTTAACTGAAATTTCCTTTGCAACTTCTCAGAATTTCAAAAGAGAAGAGCAGAACTTC[G>A]TTGTACAGAATGAAATCAACAATATGTCTTTCCTTATTACTGATACCAAGTCAAAGATGT-3'
Protein context (NP_001026.2, residues 3410-3430): HNFKREEQNF[Val3420Ile]VQNEINNMSF